The following is an entry in ClinVar:

ClinVar aggregate classification (germline): Likely benign. Review status: criteria provided, multiple submitters, no conflicts (2 of 4 stars). 3 submissions from 3 submitters: Likely benign (3). Last evaluated 2026-07-22.

Conditions:
BDP1-related disorder. Also called: BDP1-related condition.

Allele frequency attached by ClinVar (database versions not stated): gnomAD exomes 0.00006 and 0.00037; gnomAD 0.00011 and 0.00017; ExAC 0.00032; 1000 Genomes Project 30x 0.00125; 1000 Genomes Project 0.00140.
gnomAD v4.1: 128 of 1,613,476 alleles (0.0079%); highest among the groups gnomAD compares: East Asian, 0.23%; no homozygotes.

Submissions (3):

PreventionGenetics, part of Exact Sciences
Classification: Likely benign for BDP1-related condition. Last evaluated: 2026-07-22. Review status: criteria provided, single submitter. Criteria: ACMG Guidelines, 2015. Collection method: clinical testing. Allele origin: germline.
Comment: This variant is classified as likely benign based on ACMG/AMP sequence variant interpretation guidelines (Richards et al. 2015 PMID: 25741868, with internal and published modifications).

Blueprint Genetics
Classification: Likely benign. Last evaluated: 2024-06-17. Review status: criteria provided, single submitter. Criteria: ACMG Guidelines, 2015. Collection method: clinical testing. Allele origin: germline.

GeneDx
Classification: Likely benign. Last evaluated: 2021-02-12. Review status: criteria provided, single submitter. Criteria: GeneDx Variant Classification Process June 2021. Collection method: clinical testing. Allele origin: germline. Affected: yes.

NM_018429.3(BDP1):c.6342C>T (p.Asn2114=)

Gene: BDP1 (BDP1 general transcription factor IIIB subunit; plus strand). Cytogenetic location: 5q13.2.
Variant type: single nucleotide variant.
Coding change: c.6342C>T on transcript NM_018429.3 (MANE Select); coding-DNA position 6342, C replaced by T.
Protein change: p.Asn2114=; no amino-acid change (asparagine 2114 retained).
Molecular consequence: synonymous variant.
Genome position (GRCh38, 1-based): chr5:71,542,195, C>T. VCF-style: chr5-71542195-C-T. GRCh37 (hg19) VCF-style: chr5-70838022-C-T.
Identifiers: ClinVar variation 1316252 (VCV001316252.4), dbSNP rs368194611, ClinGen allele CA3297205.